The following is an entry in ClinVar:

ClinVar aggregate classification (germline): Likely pathogenic (1 of 4 stars; one submission).

Conditions:
Niemann-Pick disease, type A. Also called: Infantile Neurovisceral ASMD (Niemann-Pick Disease Type A; NPD-A); SPHINGOMYELIN LIPIDOSIS; SPHINGOMYELINASE DEFICIENCY. Identifiers: Orphanet 77292, MedGen C0268242, MONDO:0009756, OMIM 257200. Disease mechanism: loss of function.

Submission:

Foundation for Research in Genetics and Endocrinology, FRIGE's Institute of Human Genetics
Classification: Likely pathogenic for Niemann-Pick disease, type A. Last evaluated: 2023-09-23. Review status: criteria provided, single submitter. Criteria: ACMG Guidelines, 2015. Collection method: clinical testing. Allele origin: germline. Inheritance: Autosomal recessive inheritance. Affected: yes. Observed: 1 homozygote.
Comment: A homozygous variant in exon 6 of the SMPD1 gene that results in the amino acid substitution of Tyrosine for Aspartic acid at codon 565 was detected. The observed variant c.1693G>T (p.Asp565Tyr) has not been reported in the 1000 genomes and gnomAD databases. The in-silico prediction of the variants is disease causing by Mutation Taster, SIFT and CADD. In summary, the variant meets our criteria to be classified as pathogenic.

NM_000543.5(SMPD1):c.1693G>T (p.Asp565Tyr)

Gene: SMPD1 (sphingomyelin phosphodiesterase 1; plus strand). Cytogenetic location: 11p15.4.
Variant type: single nucleotide variant.
Coding change: c.1693G>T on transcript NM_000543.5 (MANE Select); coding-DNA position 1693, G replaced by T.
Protein change: p.Asp565Tyr; replaces aspartic acid 565 with tyrosine.
Molecular consequence: missense variant. On other transcripts: 3 prime UTR variant (1), non-coding transcript variant (2).
Genome position (GRCh38, 1-based): chr11:6,394,404, G>T. VCF-style: chr11-6394404-G-T. GRCh37 (hg19) VCF-style: chr11-6415634-G-T.
Other names: p.Asn565Tyr; c.1690G>T, p.Asp564Tyr (NM_001007593.3); c.*186G>T (NM_001318087.2); c.772G>T, p.Asp258Tyr (NM_001318088.2); c.1561G>T, p.Asp521Tyr (NM_001365135.2); short protein forms D258Y, D521Y, D564Y, D565Y.
Identifiers: ClinVar variation 2582292 (VCV002582292.2), dbSNP rs201127799, ClinGen allele CA379376778.